The following is an entry in ClinVar:

NM_001130438.3(SPTAN1):c.6016A>T (p.Thr2006Ser)

Gene: SPTAN1 (spectrin alpha, non-erythrocytic 1; plus strand). Cytogenetic location: 9q34.11.
Variant type: single nucleotide variant.
Coding change: c.6016A>T on transcript NM_001130438.3 (MANE Select); coding-DNA position 6016, A replaced by T.
Protein change: p.Thr2006Ser; replaces threonine 2006 with serine.
Molecular consequence: missense variant.
Genome position (GRCh38, 1-based): chr9:128,625,126, A>T. VCF-style: chr9-128625126-A-T. GRCh37 (hg19) VCF-style: chr9-131387405-A-T.
Other names: c.5941A>T, p.Thr1981Ser (NM_001195532.2); c.6016A>T, p.Thr2006Ser (NM_001363759.2, NM_001375310.1, NM_001375311.2 and 1 more transcripts); c.5956A>T, p.Thr1986Ser (NM_001363765.2, NM_001375314.2); c.6052A>T, p.Thr2018Ser (NM_001375312.2, NM_001375318.1); c.6001A>T, p.Thr2001Ser (NM_003127.4); short protein forms T1981S, T1986S, T2001S, T2006S, T2018S.
Identifiers: ClinVar variation 2505559 (VCV002505559.1), dbSNP rs2542168976, ClinGen allele CA375083936.

ClinVar aggregate classification (germline): Likely benign (1 of 4 stars; one submission).

Conditions:
Developmental and epileptic encephalopathy, 5 (DEE5). Identifiers: Orphanet 3451, MedGen C3150731, MONDO:0013277, OMIM 613477.

Submission:

Dr. med. U. Finckh, Human Genetics, Eurofins MVZ
Classification: Likely benign for Developmental and epileptic encephalopathy, 5. Review status: criteria provided, single submitter. Criteria: ACMG Guidelines, 2015. Collection method: clinical testing. Allele origin: maternal. Affected: no.